The following is an entry in ClinVar:

NM_003242.6(TGFBR2):c.1274T>C (p.Met425Thr)

Gene: TGFBR2 (transforming growth factor beta receptor 2; plus strand). Cytogenetic location: 3p24.1.
Variant type: single nucleotide variant.
Coding change: c.1274T>C on transcript NM_003242.6 (MANE Select); coding-DNA position 1274, T replaced by C.
Protein change: p.Met425Thr; replaces methionine 425 with threonine.
Molecular consequence: missense variant.
Genome position (GRCh38, 1-based): chr3:30,674,124, T>C. VCF-style: chr3-30674124-T-C. GRCh37 (hg19) VCF-style: chr3-30715616-T-C.
Other names: c.1349T>C, p.Met450Thr (NM_001024847.3); c.1457T>C, p.Met486Thr (NM_001407126.1); c.1382T>C, p.Met461Thr (NM_001407127.1); c.1301T>C, p.Met434Thr (NM_001407128.1); c.1277T>C, p.Met426Thr (NM_001407129.1); c.1274T>C, p.Met425Thr (NM_001407130.1); c.1169T>C, p.Met390Thr (NM_001407132.1, NM_001407133.1, NM_001407134.1 and 2 more transcripts); c.989T>C, p.Met330Thr (NM_001407137.1); and 1 more; short protein forms M450T, M425T, M330T, M434T, M486T, M305T, M390T, M426T.
Identifiers: ClinVar variation 543899 (VCV000543899.6), dbSNP rs1553630438, ClinGen allele CA351808907.
Genomic context (GRCh38, chr3:30,674,124, plus strand): 5'-TGGAATTAAATGATGGGCCTCACTGTCTGTTTTTGCTATAGGTGGGAACTGCAAGATACA[T>C]GGCTCCAGAAGTCCTAGAATCCAGGATGAATTTGGAGAATGTTGAGTCCTTCAAGCAGAC-3'
Protein context (NP_003233.4, residues 415-435): NSGQVGTARY[Met425Thr]APEVLESRMN

ClinVar aggregate classification (germline): Likely pathogenic (1 of 4 stars; one submission).

Conditions:
Familial thoracic aortic aneurysm and aortic dissection (TAAD). Also called: Thoracic aortic aneurysms and dissections. Identifiers: Orphanet 91387, MedGen C4707243, MONDO:0019625.

Submission:

Labcorp Genetics (formerly Invitae), Labcorp
Classification: Likely pathogenic for Familial thoracic aortic aneurysm and aortic dissection. Last evaluated: 2024-10-03. Review status: criteria provided, single submitter. Criteria: Invitae Variant Classification Sherloc (09022015). Collection method: clinical testing. Allele origin: germline.
Comment: This sequence change replaces methionine, which is neutral and non-polar, with threonine, which is neutral and polar, at codon 425 of the TGFBR2 protein (p.Met425Thr). This variant is not present in population databases (gnomAD no frequency). This variant has not been reported in the literature in individuals affected with TGFBR2-related conditions. ClinVar contains an entry for this variant (Variation ID: 543899). Invitae Evidence Modeling incorporating data from in vitro experimental studies (internal data) indicates that this missense variant is expected to disrupt TGFBR2 function with a positive predictive value of 95%. This variant disrupts the p.Met425 amino acid residue in TGFBR2. Other variant(s) that disrupt this residue have been determined to be pathogenic (PMID: 16251899, 18781618; internal data). This suggests that this residue is clinically significant, and that variants that disrupt this residue are likely to be disease-causing. In summary, the currently available evidence indicates that the variant is pathogenic, but additional data are needed to prove that conclusively. Therefore, this variant has been classified as Likely Pathogenic.

Literature cited by the submitters: PubMed 16251899; PubMed 18781618.